The following is an entry in ClinVar:

NM_023936.2(MRPS34):c.320_321+2dup

Genes: MRPS34 (mitochondrial ribosomal protein S34; minus strand), LOC130058183 (ATAC-STARR-seq lymphoblastoid silent region 7002; plus strand). Cytogenetic location: 16p13.3.
Variant type: Duplication.
Coding change: c.320_321+2dup on transcript NM_023936.2 (MANE Select); coding-DNA position 320 through the canonical splice donor site of the intron after coding-DNA position 321, 4 bases duplicated (AGGT; older notation c.320_321+2dupAGGT).
Molecular consequence: splice donor variant.
Genome position (GRCh38, 1-based): chr16:1,772,797-1,772,800, ACCT duplicated on the plus strand (AGGT on the coding strand, the reverse complement: MRPS34 is on the minus strand). VCF-style (leftmost placement, unchanged base first): chr16-1772796-C-CACCT. GRCh37 (hg19) VCF-style: chr16-1822797-C-CACCT.
Other names: c.320_321+2dup (NM_001300900.2); c.320_321+2dupAGGT (NM_001300900.1).
Identifiers: ClinVar variation 1577471 (VCV001577471.11), dbSNP rs4027362, ClinGen allele CA7818417.

ClinVar aggregate classification (germline): Benign/Likely benign. Review status: criteria provided, multiple submitters, no conflicts (2 of 4 stars). 3 submissions from 3 submitters: Benign (1); Likely benign (1). 1 of the submissions does not count toward it. Last evaluated 2026-02-03.

Conditions:
MRPS34-related disorder. Also called: MRPS34-related condition.

Allele frequency attached by ClinVar (database versions not stated): 1000 Genomes Project 30x 0.43285; 1000 Genomes Project 0.43291; gnomAD 0.50564 and 0.50856; ESP Exome Variant Server 0.50902; gnomAD exomes 0.53870 and 0.57520; ExAC 0.54632.

Submissions (3):

Labcorp Genetics (formerly Invitae), Labcorp
Classification: Benign. Last evaluated: 2026-02-03. Review status: criteria provided, single submitter. Criteria: Invitae Variant Classification Sherloc (09022015). Collection method: clinical testing. Allele origin: germline.

Blueprint Genetics
Classification: Likely benign. Last evaluated: 2024-11-27. Review status: criteria provided, single submitter. Criteria: ACMG Guidelines, 2015. Collection method: clinical testing. Allele origin: germline.

PreventionGenetics, part of Exact Sciences
Classification: Benign for MRPS34-related condition. Last evaluated: 2019-11-11. Review status: no assertion criteria provided. Collection method: clinical testing. Allele origin: germline. Not counted in ClinVar's aggregate classification.
Comment: This variant is classified as benign based on ACMG/AMP sequence variant interpretation guidelines (Richards et al. 2015 PMID: 25741868, with internal and published modifications).